The following is an entry in ClinVar:

NM_001367624.2(ZNF469):c.10599C>T (p.Pro3533=)

Gene: ZNF469 (zinc finger protein 469; plus strand). Cytogenetic location: 16q24.2.
Variant type: single nucleotide variant.
Coding change: c.10599C>T on transcript NM_001367624.2 (MANE Select); coding-DNA position 10599, C replaced by T.
Protein change: p.Pro3533=; no amino-acid change (proline 3533 retained).
Molecular consequence: synonymous variant.
Genome position (GRCh38, 1-based): chr16:88,438,069, C>T. VCF-style: chr16-88438069-C-T. GRCh37 (hg19) VCF-style: chr16-88504477-C-T.
Other names: NM_001127464.1:c.10515C>T; NM_001127464.2:c.10515C>T; p.Pro3533=.
Identifiers: ClinVar variation 321017 (VCV000321017.20), dbSNP rs78022634, ClinGen allele CA8225531.

ClinVar aggregate classification (germline): Benign/Likely benign. Review status: criteria provided, multiple submitters, no conflicts (2 of 4 stars). 8 submissions from 8 submitters: Benign (7); Likely benign (1). Last evaluated 2026-02-04.

Conditions:
Cardiovascular phenotype. Identifiers: MedGen CN230736.
Brittle cornea syndrome 1 (BCS1). Also called: CORNEAL FRAGILITY, KERATOGLOBUS, BLUE SCLERAE, JOINT HYPEREXTENSIBILITY; EDS6B; FRAGILITAS OCULI WITH JOINT HYPEREXTENSIBILITY; Corneal fragility keratoglobus, blue sclerae AND joint hypermobility; DYSGENESIS MESODERMALIS CORNEAE ET SCLERAE. Identifiers: Orphanet 90354, MedGen C0268344, MONDO:0024543, OMIM 229200.
Ehlers-Danlos syndrome (EDS). Identifiers: Orphanet 98249, MedGen C0013720, MONDO:0020066.

Allele frequency attached by ClinVar (database versions not stated): 1000 Genomes Project 0.01617; 1000 Genomes Project 30x 0.01655; TOPMed 0.01659; ESP Exome Variant Server 0.01862; ExAC 0.00730.
gnomAD v4.1: 4,483 of 1,550,404 alleles (0.29%); highest among the groups gnomAD compares: African/African-American, 5.3%; 114 homozygotes.

Submissions (8):

Labcorp Genetics (formerly Invitae), Labcorp
Classification: Benign. Last evaluated: 2026-02-04. Review status: criteria provided, single submitter. Criteria: Invitae Variant Classification Sherloc (09022015). Collection method: clinical testing. Allele origin: germline.

Women's Health and Genetics/Laboratory Corporation of America, LabCorp
Classification: Benign. Last evaluated: 2026-01-22. Review status: criteria provided, single submitter. Criteria: LabCorp Variant Classification Summary - May 2015. Collection method: clinical testing. Allele origin: germline.

Mayo Clinic Laboratories, Mayo Clinic
Classification: Benign. Last evaluated: 2023-09-08. Review status: criteria provided, single submitter. Criteria: ACMG Guidelines, 2015. Collection method: clinical testing. Allele origin: germline. Observed: 11 variant alleles.

Genome Diagnostics Laboratory, The Hospital for Sick Children
Classification: Benign for Ehlers-Danlos syndrome. Last evaluated: 2021-12-08. Review status: criteria provided, single submitter. Criteria: ACMG Guidelines, 2015. Collection method: clinical testing. Allele origin: germline.

Genome-Nilou Lab
Classification: Benign for Brittle cornea syndrome 1. Last evaluated: 2021-12-05. Review status: criteria provided, single submitter. Criteria: ACMG Guidelines, 2015. Collection method: clinical testing. Allele origin: germline. Affected: no.

Ambry Genetics
Classification: Benign for Cardiovascular phenotype. Last evaluated: 2019-03-08. Review status: criteria provided, single submitter. Criteria: Ambry Variant Classification Scheme 2023. Collection method: clinical testing. Allele origin: germline.

GeneDx
Classification: Benign. Last evaluated: 2016-10-14. Review status: criteria provided, single submitter. Criteria: GeneDx Variant Classification (06012015). Collection method: clinical testing. Allele origin: germline. Affected: yes.
Comment: This variant is considered likely benign or benign based on one or more of the following criteria: it is a conservative change, it occurs at a poorly conserved position in the protein, it is predicted to be benign by multiple in silico algorithms, and/or has population frequency not consistent with disease.

Breakthrough Genomics
Classification: Likely benign. Review status: criteria provided, single submitter. Criteria: ACMG Guidelines, 2015. Collection method: not provided. Allele origin: germline. Inheritance: Autosomal recessive inheritance. Affected: yes.